The following is an entry in ClinVar:

NM_024675.4(PALB2):c.1750G>A (p.Asp584Asn)

Gene: PALB2 (partner and localizer of BRCA2; minus strand). Cytogenetic location: 16p12.2.
Variant type: single nucleotide variant.
Coding change: c.1750G>A on transcript NM_024675.4 (MANE Select); coding-DNA position 1750, G replaced by A.
Protein change: p.Asp584Asn; replaces aspartic acid 584 with asparagine.
Molecular consequence: missense variant.
Genome position (GRCh38, 1-based): chr16:23,630,404, C>T on the plus strand (G>A on the coding strand, the complement: PALB2 is on the minus strand). VCF-style: chr16-23630404-C-T. GRCh37 (hg19) VCF-style: chr16-23641725-C-T.
Other names: short protein forms D584N.
Identifiers: ClinVar variation 1389054 (VCV001389054.13), dbSNP rs1966866891, ClinGen allele CA395128263.

ClinVar aggregate classification (germline): Uncertain significance. Review status: criteria provided, multiple submitters, no conflicts (2 of 4 stars). 3 submissions from 3 submitters: Uncertain significance (3). Last evaluated 2025-12-21.

Conditions:
Hereditary cancer-predisposing syndrome. Also called: Hereditary neoplastic syndrome; Tumor predisposition; Neoplastic Syndromes, Hereditary; Hereditary Cancer Syndrome. Identifiers: Orphanet 140162, MedGen C0027672, MeSH D009386, MONDO:0015356.
Familial cancer of breast. Also called: Hereditary breast cancer; hereditary breast carcinoma; BREAST CANCER, FAMILIAL. Identifiers: Orphanet 227535, MedGen C0346153, MONDO:0016419, OMIM 114480. Disease mechanism: loss of function.

Submissions (3):

Ambry Genetics
Classification: Uncertain significance for Hereditary cancer-predisposing syndrome. Last evaluated: 2025-12-21. Review status: criteria provided, single submitter. Criteria: Ambry Variant Classification Scheme 2023. Collection method: clinical testing. Allele origin: germline.
Comment: The p.D584N variant (also known as c.1750G>A), located in coding exon 5 of the PALB2 gene, results from a G to A substitution at nucleotide position 1750. The aspartic acid at codon 584 is replaced by asparagine, an amino acid with highly similar properties. This amino acid position is well conserved in available vertebrate species. In addition, this alteration is predicted to be tolerated by in silico analysis. Since supporting evidence is limited at this time, the clinical significance of this alteration remains unclear.

Color Diagnostics, LLC DBA Color Health
Classification: Uncertain significance for Hereditary cancer-predisposing syndrome. Last evaluated: 2025-01-13. Review status: criteria provided, single submitter. Criteria: ACMG Guidelines, 2015. Collection method: clinical testing. Allele origin: germline.
Comment: This missense variant replaces aspartic acid with asparagine at codon 584 of the PALB2 protein. Computational prediction suggests that this variant may not impact protein structure and function (internally defined REVEL score threshold <= 0.5, PMID: 27666373). To our knowledge, functional studies have not been reported for this variant. This variant has not been reported in individuals affected with PALB2-related disorders in the literature. This variant has not been identified in the general population by the Genome Aggregation Database (gnomAD). The available evidence is insufficient to determine the role of this variant in disease conclusively. Therefore, this variant is classified as a Variant of Uncertain Significance.

Labcorp Genetics (formerly Invitae), Labcorp
Classification: Uncertain significance for Familial cancer of breast. Last evaluated: 2023-08-14. Review status: criteria provided, single submitter. Criteria: Invitae Variant Classification Sherloc (09022015). Collection method: clinical testing. Allele origin: germline.
Comment: In summary, the available evidence is currently insufficient to determine the role of this variant in disease. Therefore, it has been classified as a Variant of Uncertain Significance. This sequence change replaces aspartic acid, which is acidic and polar, with asparagine, which is neutral and polar, at codon 584 of the PALB2 protein (p.Asp584Asn). This variant is not present in population databases (gnomAD no frequency). This variant has not been reported in the literature in individuals affected with PALB2-related conditions. ClinVar contains an entry for this variant (Variation ID: 1389054). Advanced modeling of protein sequence and biophysical properties (such as structural, functional, and spatial information, amino acid conservation, physicochemical variation, residue mobility, and thermodynamic stability) performed at Invitae indicates that this missense variant is not expected to disrupt PALB2 protein function.